The following is an entry in ClinVar:

ClinVar aggregate classification (germline): Uncertain significance (1 of 4 stars; one submission).

Conditions:
Long QT syndrome (LQTS). Identifiers: MedGen C0023976, MeSH D008133, MONDO:0002442. Disease mechanism: loss of function. Inheritance: Various modes of inheritance.

Submission:

Labcorp Genetics (formerly Invitae), Labcorp
Classification: Uncertain significance for Long QT syndrome. Last evaluated: 2023-12-18. Review status: criteria provided, single submitter. Criteria: Invitae Variant Classification Sherloc (09022015). Collection method: clinical testing. Allele origin: germline.
Comment: This sequence change replaces glutamine, which is neutral and polar, with glutamic acid, which is acidic and polar, at codon 2048 of the CACNA1C protein (p.Gln2048Glu). This variant is not present in population databases (gnomAD no frequency). This variant has not been reported in the literature in individuals affected with CACNA1C-related conditions. Advanced modeling of protein sequence and biophysical properties (such as structural, functional, and spatial information, amino acid conservation, physicochemical variation, residue mobility, and thermodynamic stability) performed at Invitae indicates that this missense variant is not expected to disrupt CACNA1C protein function with a negative predictive value of 95%. In summary, the available evidence is currently insufficient to determine the role of this variant in disease. Therefore, it has been classified as a Variant of Uncertain Significance.

NM_000719.7(CACNA1C):c.6142C>G (p.Gln2048Glu)

Genes: CACNA1C (calcium voltage-gated channel subunit alpha1 C; plus strand), CACNA1C-AS1 (CACNA1C antisense RNA 1; minus strand). Cytogenetic location: 12p13.33.
Variant type: single nucleotide variant.
Coding change: c.6142C>G on transcript NM_000719.7 (MANE Select); coding-DNA position 6142, C replaced by G.
Protein change: p.Gln2048Glu; replaces glutamine 2048 with glutamic acid.
Molecular consequence: missense variant. On other transcripts: non-coding transcript variant (1).
Genome position (GRCh38, 1-based): chr12:2,690,924, C>G. VCF-style: chr12-2690924-C-G. GRCh37 (hg19) VCF-style: chr12-2800090-C-G.
Other names: c.6286C>G, p.Gln2096Glu (NM_001129827.2); c.6265C>G, p.Gln2089Glu (NM_001129829.2); c.6247C>G, p.Gln2083Glu (NM_001129830.3, NM_001167624.3); c.6226C>G, p.Gln2076Glu (NM_001129831.2); c.6202C>G, p.Gln2068Glu (NM_001129832.2); c.6199C>G, p.Gln2067Glu (NM_001129833.2, NM_001129834.2, NM_001129835.2); c.6193C>G, p.Gln2065Glu (NM_001129836.2); c.6166C>G, p.Gln2056Glu (NM_001129837.2, NM_001129838.2); and 6 more; short protein forms Q2037E, Q2054E, Q2045E, Q2056E, Q2065E, Q2076E, Q2067E, Q2068E.
Identifiers: ClinVar variation 2703986 (VCV002703986.3), dbSNP rs2535470604, ClinGen allele CA383386121.
Genomic context (GRCh38, chr12:2,690,924, plus strand): 5'-CTTTGGTTCTTCATGGCTCCCACCCCGCTCCTTCAGGTCTTGATTTCAGAAGGACTGGGG[C>G]AGTTTGCTCAAGATCCCAAGTTCATCGAGGTCACCACCCAGGAGCTGGCCGACGCCTGCG-3'
Protein context (NP_000710.5, residues 2038-2058): EAVLISEGLG[Gln2048Glu]FAQDPKFIEV